The following is an entry in ClinVar:

NM_000135.4(FANCA):c.2042C>A (p.Ser681Tyr)

Gene: FANCA (FA complementation group A; minus strand). Cytogenetic location: 16q24.3.
Variant type: single nucleotide variant.
Coding change: c.2042C>A on transcript NM_000135.4 (MANE Select); coding-DNA position 2042, C replaced by A.
Protein change: p.Ser681Tyr; replaces serine 681 with tyrosine.
Molecular consequence: missense variant.
Genome position (GRCh38, 1-based): chr16:89,771,787, G>T on the plus strand (C>A on the coding strand, the complement: FANCA is on the minus strand). VCF-style: chr16-89771787-G-T. GRCh37 (hg19) VCF-style: chr16-89838195-G-T.
Other names: c.2042C>A, p.Ser681Tyr (NM_001286167.3); short protein forms S681Y.
Identifiers: ClinVar variation 4254363 (VCV004254363.2).

ClinVar aggregate classification (germline): Uncertain significance (1 of 4 stars; one submission).

Conditions:
Inborn genetic diseases. Identifiers: MedGen C0950123, MeSH D030342.

gnomAD v4.1: 2 of 1,614,036 alleles (0.00012%); highest among the groups gnomAD compares: East Asian, 0.0045%; no homozygotes.

Submission:

Ambry Genetics
Classification: Uncertain significance for Inborn genetic diseases. Last evaluated: 2026-05-23. Review status: criteria provided, single submitter. Criteria: Ambry Variant Classification Scheme 2023. Collection method: clinical testing. Allele origin: germline.
Comment: The p.S681Y variant (also known as c.2042C>A), located in coding exon 23 of the FANCA gene, results from a C to A substitution at nucleotide position 2042. The serine at codon 681 is replaced by tyrosine, an amino acid with dissimilar properties. This amino acid position is conserved. In addition, the in silico prediction for this alteration is inconclusive. Based on the available evidence, the clinical significance of this variant remains unclear.